The following is an entry in ClinVar:

NM_000342.4(SLC4A1):c.2494C>A (p.Arg832Ser)

Gene: SLC4A1 (solute carrier family 4 member 1 (Diego blood group); minus strand). Cytogenetic location: 17q21.31.
Variant type: single nucleotide variant.
Coding change: c.2494C>A on transcript NM_000342.4 (MANE Select); coding-DNA position 2494, C replaced by A.
Protein change: p.Arg832Ser; replaces arginine 832 with serine.
Molecular consequence: missense variant.
Genome position (GRCh38, 1-based): chr17:44,251,320, G>T on the plus strand (C>A on the coding strand, the complement: SLC4A1 is on the minus strand). VCF-style: chr17-44251320-G-T. GRCh37 (hg19) VCF-style: chr17-42328688-G-T.
Other names: short protein forms R832S.
Identifiers: ClinVar variation 951945 (VCV000951945.10), dbSNP rs571376371, ClinGen allele CA399780256.
Genomic context (GRCh38, chr17:44,251,320, plus strand): 5'-ACTTCACCACCCACAGCACTGCCAGGCAGATGATCTGGATGCCCGTGAATAAGTGCATGC[G>T]CCAGGTCTTCACCTGCAGGCGGAGGCTGGGGTCAGTGCCTATCACACCCCAGCACCCTCT-3'
Protein context (NP_000333.1, residues 822-842): VPYVKRVKTW[Arg832Ser]MHLFTGIQII

ClinVar aggregate classification (germline): Conflicting classifications of pathogenicity. Review status: criteria provided, conflicting classifications (1 of 4 stars). 2 submissions from 2 submitters: Likely pathogenic (1); Uncertain significance (1). Last evaluated 2025-10-03.

Conditions:
Autosomal dominant distal renal tubular acidosis (DRTA1). Also called: RTA, CLASSIC TYPE; RTA, DISTAL TYPE, AUTOSOMAL DOMINANT; RTA, GRADIENT TYPE; RENAL TUBULAR ACIDOSIS, DISTAL, 1; Renal Tubular Acidosis, Type I. Identifiers: Orphanet 93608, MedGen CN280572, MONDO:0008368, OMIM 179800.
Renal tubular acidosis, distal, 4, with hemolytic anemia. Also called: Renal Tubular Acidosis, Distal, with Hemolytic Anemia. Identifiers: Orphanet 93610, MedGen C5436235, MONDO:0012700, OMIM 611590.

gnomAD v4.1: 1 of 1,614,188 alleles (0.000062%); highest among the groups gnomAD compares: South Asian, 0.0011%; no homozygotes.

Submissions (2):

Rare Kidney Stone Consortium and the Mayo Clinic Hyperoxaluria Center, Mayo Clinic
Classification: Likely pathogenic for Renal tubular acidosis, distal, 4, with hemolytic anemia; Autosomal dominant distal renal tubular acidosis. Last evaluated: 2025-10-03. Review status: criteria provided, single submitter. Criteria: ACMG Guidelines, 2015. Collection method: research. Allele origin: germline. Affected: yes. Observed: 1 variant allele.
Comment: ACMG:PM2, PM3, PP2, PP3, PP4

Labcorp Genetics (formerly Invitae), Labcorp
Classification: Uncertain significance. Last evaluated: 2019-07-01. Review status: criteria provided, single submitter. Criteria: Invitae Variant Classification Sherloc (09022015). Collection method: clinical testing. Allele origin: germline.
Comment: This sequence change replaces arginine with serine at codon 832 of the SLC4A1 protein (p.Arg832Ser). The arginine residue is moderately conserved and there is a moderate physicochemical difference between arginine and serine. In summary, the available evidence is currently insufficient to determine the role of this variant in disease. Therefore, it has been classified as a Variant of Uncertain Significance. Algorithms developed to predict the effect of missense changes on protein structure and function are either unavailable or do not agree on the potential impact of this missense change (SIFT: "Tolerated"; PolyPhen-2: "Probably Damaging"; Align-GVGD: "Class C0"). This variant has not been reported in the literature in individuals with SLC4A1-related conditions. This variant is not present in population databases (ExAC no frequency).

Literature cited by the submitters: PubMed 40794449 (cited by Rare Kidney Stone Consortium and the Mayo Clinic Hyperoxaluria Center, Mayo Clinic).